The following is an entry in ClinVar:

ClinVar aggregate classification (germline): Uncertain significance. Review status: criteria provided, single submitter (1 of 4 stars). 2 submissions from 2 submitters: Uncertain significance (1). 1 of the submissions does not count toward it. Last evaluated 2023-10-25.

Conditions:
Focal segmental glomerulosclerosis (FSGS). Also called: Glomerulosclerosis, focal; Focal sclerosis with hyalinosis. Identifiers: MedGen C0017668, MONDO:0100313, HP:0000097. Disease mechanism: loss of function.

Submissions (2):

Labcorp Genetics (formerly Invitae), Labcorp
Classification: Uncertain significance. Last evaluated: 2023-10-25. Review status: criteria provided, single submitter. Criteria: Invitae Variant Classification Sherloc (09022015). Collection method: clinical testing. Allele origin: germline.
Comment: This sequence change replaces aspartic acid, which is acidic and polar, with asparagine, which is neutral and polar, at codon 890 of the TRPC6 protein (p.Asp890Asn). This variant is not present in population databases (gnomAD no frequency). This missense change has been observed in individual(s) with steroid-resistant nephrotic syndrome (PMID: 32581362). ClinVar contains an entry for this variant (Variation ID: 812903). Advanced modeling of protein sequence and biophysical properties (such as structural, functional, and spatial information, amino acid conservation, physicochemical variation, residue mobility, and thermodynamic stability) performed at Invitae indicates that this missense variant is expected to disrupt TRPC6 protein function with a positive predictive value of 80%. In summary, the available evidence is currently insufficient to determine the role of this variant in disease. Therefore, it has been classified as a Variant of Uncertain Significance.

NIHR Bioresource Rare Diseases, University of Cambridge
Classification: Likely pathogenic for Focal segmental glomerulosclerosis. Review status: no assertion criteria provided. Collection method: research. Allele origin: unknown. Affected: yes. Observed: 2 variant alleles. Not counted in ClinVar's aggregate classification.

Literature cited by the submitters: PubMed 32581362 (cited by Labcorp Genetics (formerly Invitae), Labcorp and NIHR Bioresource Rare Diseases, University of Cambridge).

NM_004621.6(TRPC6):c.2668G>A (p.Asp890Asn)

Gene: TRPC6 (transient receptor potential cation channel subfamily C member 6; minus strand). Cytogenetic location: 11q22.1.
Variant type: single nucleotide variant.
Coding change: c.2668G>A on transcript NM_004621.6 (MANE Select); coding-DNA position 2668, G replaced by A.
Protein change: p.Asp890Asn; replaces aspartic acid 890 with asparagine.
Molecular consequence: missense variant.
Genome position (GRCh38, 1-based): chr11:101,453,083, C>T on the plus strand (G>A on the coding strand, the complement: TRPC6 is on the minus strand). VCF-style: chr11-101453083-C-T. GRCh37 (hg19) VCF-style: chr11-101323814-C-T.
Other names: short protein forms D890N.
Identifiers: ClinVar variation 812903 (VCV000812903.5), dbSNP rs1591517929, ClinGen allele CA382487034.
Genomic context (GRCh38, chr11:101,453,083, plus strand): 5'-CTAGGTCTTCTGTATTCTGAGATTTTTCTTCAAGGAGTTCATAGCGGAGACTTGAGATGT[C>T]CTGCTTAATTTCCTTCAGTTCCCCTTTGAAAGCAAGAGTGATAAGAAGTCAACTATAAAT-3'
Protein context (NP_004612.2, residues 880-900): NEGELKEIKQ[Asp890Asn]ISSLRYELLE